The following is an entry in ClinVar:

NM_024577.4(SH3TC2):c.3401_3402del (p.Glu1134fs)

Gene: SH3TC2 (SH3 domain and tetratricopeptide repeats 2; minus strand). Cytogenetic location: 5q32.
Variant type: Microsatellite.
Coding change: c.3401_3402del on transcript NM_024577.4 (MANE Select); coding-DNA positions 3401 to 3402, 2 bases deleted (AG; older notation c.3401_3402delAG).
Protein change: p.Glu1134fs; shifts the reading frame from glutamic acid 1134.
Molecular consequence: frameshift variant.
Genome position (GRCh38, 1-based): chr5:149,008,927-149,008,928, CT deleted on the plus strand (AG on the coding strand, the reverse complement: SH3TC2 is on the minus strand); deleting any 2 consecutive bases within chr5:149,008,927-149,008,930 gives the same sequence; the c. name uses the placement nearest the transcript's 3' end. VCF-style (leftmost placement, unchanged base first): chr5-149008926-GCT-G. GRCh37 (hg19) VCF-style: chr5-148388489-GCT-G.
Other names: c.3401_3402delAG (NM_024577.4); short protein forms E1134fs.
Identifiers: ClinVar variation 4849339 (VCV004849339.1).

ClinVar aggregate classification (germline): Likely pathogenic (1 of 4 stars; one submission).

Conditions:
Charcot-Marie-Tooth disease type 4C (CMT4C). Also called: CHARCOT-MARIE-TOOTH DISEASE, DEMYELINATING, TYPE 4C; SH3TC2-Related Hereditary Motor and Sensory Neuropathy; CMT 4C; CHARCOT-MARIE-TOOTH DISEASE, DEMYELINATING, AUTOSOMAL RECESSIVE, TYPE 4C; Charcot-Marie-Tooth Neuropathy Type 4C (CMT4C). Identifiers: Orphanet 99949, MedGen C1866636, MONDO:0011113, OMIM 601596.

Submission:

First Genomix Gene Laboratory, Genetic Diagnostics Department
Classification: Likely pathogenic for Charcot-Marie-Tooth disease type 4C. Last evaluated: 2025-07-09. Review status: criteria provided, single submitter. Criteria: ACMG Guidelines, 2015. Collection method: clinical testing. Allele origin: germline. Inheritance: Autosomal recessive inheritance. Affected: no. Observed: 1 variant allele.